The following is an entry in ClinVar:

ClinVar aggregate classification (germline): Uncertain significance (1 of 4 stars; one submission).

Submission:

GeneDx
Classification: Uncertain significance. Last evaluated: 2022-12-14. Review status: criteria provided, single submitter. Criteria: GeneDx Variant Classification Process June 2021. Collection method: clinical testing. Allele origin: germline. Affected: yes.
Comment: Not observed at significant frequency in large population cohorts (gnomAD); In silico analysis supports a deleterious effect on splicing; Has not been previously published as pathogenic or benign to our knowledge

NM_001046.3(SLC12A2):c.2977+5G>C

Gene: SLC12A2 (solute carrier family 12 member 2; plus strand). Cytogenetic location: 5q23.3.
Variant type: single nucleotide variant.
Coding change: c.2977+5G>C on transcript NM_001046.3 (MANE Select); 5 bases into the intron after coding-DNA position 2977, G replaced by C.
Molecular consequence: intron variant.
Genome position (GRCh38, 1-based): chr5:128,177,157, G>C. VCF-style: chr5-128177157-G-C. GRCh37 (hg19) VCF-style: chr5-127512849-G-C.
Other names: c.2930-1410G>C (NM_001256461.2).
Identifiers: ClinVar variation 2505802 (VCV002505802.1), dbSNP rs2479480270, ClinGen allele CA2580613649.